The following is an entry in ClinVar:

NM_170784.3(MKKS):c.629T>C (p.Ile210Thr)

Gene: MKKS (MKKS centrosomal shuttling protein; minus strand). Cytogenetic location: 20p12.2.
Variant type: single nucleotide variant.
Coding change: c.629T>C on transcript NM_170784.3 (MANE Select); coding-DNA position 629, T replaced by C.
Protein change: p.Ile210Thr; replaces isoleucine 210 with threonine.
Molecular consequence: missense variant.
Genome position (GRCh38, 1-based): chr20:10,412,886, A>G on the plus strand (T>C on the coding strand, the complement: MKKS is on the minus strand). VCF-style: chr20-10412886-A-G. GRCh37 (hg19) VCF-style: chr20-10393534-A-G.
Other names: c.629T>C (NM_018848.2); c.629T>C, p.Ile210Thr (NM_018848.3); short protein forms I210T.
Identifiers: ClinVar variation 969886 (VCV000969886.11), dbSNP rs201243884, ClinGen allele CA9763653.

ClinVar aggregate classification (germline): Conflicting classifications of pathogenicity. Review status: criteria provided, conflicting classifications (1 of 4 stars). 4 submissions from 4 submitters: Uncertain significance (3); Likely benign (1). Last evaluated 2024-04-20.

Conditions:
Inborn genetic diseases. Identifiers: MedGen C0950123, MeSH D030342.
McKusick-Kaufman syndrome (MKKS). Also called: HYDROMETROCOLPOS SYNDROME; HYDROMETROCOLPOS, POSTAXIAL POLYDACTYLY, AND CONGENITAL HEART MALFORMATION. Identifiers: Orphanet 2473, MedGen C0948368, MONDO:0009367, OMIM 236700.
Bardet-Biedl syndrome (BBS). Identifiers: Orphanet 110, MedGen C0752166, MONDO:0015229.
Bardet-Biedl syndrome 6 (BBS6). Identifiers: Orphanet 110, MedGen C1858054, MONDO:0011523, OMIM 605231.

Allele frequency attached by ClinVar (database versions not stated): gnomAD exomes 0.00001 and 0.00008; TOPMed 0.00003; ExAC 0.00008; 1000 Genomes Project 30x 0.00016; 1000 Genomes Project 0.00020.
gnomAD v4.1: 24 of 1,614,132 alleles (0.0015%); highest among the groups gnomAD compares: East Asian, 0.029%; no homozygotes.

Submissions (4):

Fulgent Genetics
Classification: Uncertain significance for McKusick-Kaufman syndrome; Bardet-Biedl syndrome 6. Last evaluated: 2024-04-20. Review status: criteria provided, single submitter. Criteria: ACMG Guidelines, 2015. Collection method: clinical testing. Allele origin: germline.

Ambry Genetics
Classification: Uncertain significance for Inborn genetic diseases. Last evaluated: 2023-12-08. Review status: criteria provided, single submitter. Criteria: Ambry Variant Classification Scheme 2023. Collection method: clinical testing. Allele origin: germline.

Blueprint Genetics
Classification: Likely benign. Last evaluated: 2023-11-09. Review status: criteria provided, single submitter. Criteria: ACMG Guidelines, 2015. Collection method: clinical testing. Allele origin: germline.

Labcorp Genetics (formerly Invitae), Labcorp
Classification: Uncertain significance for McKusick-Kaufman syndrome; Bardet-Biedl syndrome. Last evaluated: 2021-08-31. Review status: criteria provided, single submitter. Criteria: Invitae Variant Classification Sherloc (09022015). Collection method: clinical testing. Allele origin: germline.
Comment: This sequence change replaces isoleucine with threonine at codon 210 of the MKKS protein (p.Ile210Thr). The isoleucine residue is weakly conserved and there is a moderate physicochemical difference between isoleucine and threonine. This variant is present in population databases (rs201243884, ExAC 0.1%). This variant has not been reported in the literature in individuals affected with MKKS-related conditions. ClinVar contains an entry for this variant (Variation ID: 969886). Algorithms developed to predict the effect of missense changes on protein structure and function output the following: SIFT: "Tolerated"; PolyPhen-2: "Benign"; Align-GVGD: "Class C0". The threonine amino acid residue is found in multiple mammalian species, which suggests that this missense change does not adversely affect protein function. In summary, the available evidence is currently insufficient to determine the role of this variant in disease. Therefore, it has been classified as a Variant of Uncertain Significance.